The following is an entry in ClinVar:

ClinVar aggregate classification (germline): Uncertain significance (1 of 4 stars; one submission).

Conditions:
Ehlers-Danlos syndrome, spondylodysplastic type, 2 (EDSSPD2). Also called: Ehlers-Danlos syndrome, progeroid type, 2. Identifiers: Orphanet 536467, Orphanet 75496, MedGen C3809210, MONDO:0014139, OMIM 615349.
Spondyloepimetaphyseal dysplasia with joint laxity (SEMDJL). Identifiers: MedGen C0432243, MONDO:0019675.

Allele frequency attached by ClinVar (database versions not stated): ExAC 0.00004; gnomAD exomes 0.00005; ESP Exome Variant Server 0.00008.

Submission:

Labcorp Genetics (formerly Invitae), Labcorp
Classification: Uncertain significance for Ehlers-Danlos syndrome, spondylodysplastic type, 2; Spondyloepimetaphyseal dysplasia with joint laxity. Last evaluated: 2022-08-07. Review status: criteria provided, single submitter. Criteria: Invitae Variant Classification Sherloc (09022015). Collection method: clinical testing. Allele origin: germline.
Comment: This sequence change replaces leucine, which is neutral and non-polar, with valine, which is neutral and non-polar, at codon 137 of the B3GALT6 protein (p.Leu137Val). This variant is present in population databases (rs142133113, gnomAD 0.007%). This variant has not been reported in the literature in individuals affected with B3GALT6-related conditions. ClinVar contains an entry for this variant (Variation ID: 1058949). Algorithms developed to predict the effect of missense changes on protein structure and function are either unavailable or do not agree on the potential impact of this missense change (SIFT: "Deleterious"; PolyPhen-2: "Possibly Damaging"; Align-GVGD: "Class C0"). In summary, the available evidence is currently insufficient to determine the role of this variant in disease. Therefore, it has been classified as a Variant of Uncertain Significance.

NM_080605.4(B3GALT6):c.409C>G (p.Leu137Val)

Gene: B3GALT6 (beta-1,3-galactosyltransferase 6; plus strand). Cytogenetic location: 1p36.33.
Variant type: single nucleotide variant.
Coding change: c.409C>G on transcript NM_080605.4 (MANE Select); coding-DNA position 409, C replaced by G.
Protein change: p.Leu137Val; replaces leucine 137 with valine.
Molecular consequence: missense variant.
Genome position (GRCh38, 1-based): chr1:1,232,687, C>G. VCF-style: chr1-1232687-C-G. GRCh37 (hg19) VCF-style: chr1-1168067-C-G.
Other names: short protein forms L137V.
Identifiers: ClinVar variation 1058949 (VCV001058949.6), dbSNP rs142133113, ClinGen allele CA513333.
Genomic context (GRCh38, chr1:1,232,687, plus strand): 5'-GGGGACCTGCTGCTGCTGCCCGCGCTGCGCGACGCCTACGAAAACCTCACGGCCAAGGTG[C>G]TGGCCATGCTGGCCTGGCTGGACGAGCACGTGGCCTTCGAGTTCGTGCTCAAGGCGGACG-3'
Protein context (NP_542172.2, residues 127-147): DAYENLTAKV[Leu137Val]AMLAWLDEHV